The following is an entry in ClinVar:

NM_001927.4(DES):c.578+3G>T

Gene: DES (desmin; plus strand). Cytogenetic location: 2q35.
Variant type: single nucleotide variant.
Coding change: c.578+3G>T on transcript NM_001927.4 (MANE Select); 3 bases into the intron after coding-DNA position 578, G replaced by T.
Molecular consequence: intron variant.
Genome position (GRCh38, 1-based): chr2:219,419,043, G>T. VCF-style: chr2-219419043-G-T. GRCh37 (hg19) VCF-style: chr2-220283765-G-T.
Other names: c.578+3G>T (NM_001382712.1, NM_001382711.1, NM_001382710.1 and 2 more transcripts); c.495+86G>T (NM_001382713.1).
Identifiers: ClinVar variation 2450699 (VCV002450699.2), dbSNP rs2545248538, ClinGen allele CA2580065798.

ClinVar aggregate classification (germline): Uncertain significance (1 of 4 stars; one submission).

Conditions:
Cardiovascular phenotype. Identifiers: MedGen CN230736.

Submission:

Ambry Genetics
Classification: Uncertain significance for Cardiovascular phenotype. Last evaluated: 2023-01-03. Review status: criteria provided, single submitter. Criteria: Ambry Variant Classification Scheme 2023. Collection method: clinical testing. Allele origin: germline.
Comment: The c.578+3G>T intronic variant results from a G to T substitution 3 nucleotides after coding exon 1 in the DES gene. This nucleotide position is not well conserved in available vertebrate species. In silico splice site analysis predicts that this alteration will not have any significant effect on splicing. Since supporting evidence is limited at this time, the clinical significance of this alteration remains unclear.